The following is an entry in ClinVar:

NM_001032283.3(TMPO):c.565+1053A>G

Gene: TMPO (thymopoietin; plus strand). Cytogenetic location: 12q23.1.
Variant type: single nucleotide variant.
Coding change: c.565+1053A>G on transcript NM_001032283.3 (MANE Select); 1053 bases into the intron after coding-DNA position 565, A replaced by G.
Molecular consequence: intron variant. On other transcripts: missense variant (1).
Genome position (GRCh38, 1-based): chr12:98,532,891, A>G. VCF-style: chr12-98532891-A-G. GRCh37 (hg19) VCF-style: chr12-98926669-A-G.
Other names: c.634A>G, p.Thr212Ala (NM_003276.2); c.565+1053A>G (NM_001307975.2, NM_001032284.3); short protein forms T212A.
Identifiers: ClinVar variation 656773 (VCV000656773.8), dbSNP rs769778970, ClinGen allele CA6732257.

ClinVar aggregate classification (germline): Uncertain significance. Review status: criteria provided, multiple submitters, no conflicts (2 of 4 stars). 2 submissions from 2 submitters: Uncertain significance (2). Last evaluated 2024-04-12.

Conditions:
Loeys-Dietz syndrome 2 (LDS2). Also called: AORTIC ANEURYSM, FAMILIAL THORACIC 3; MARFAN SYNDROME, TYPE II; Marfan syndrome, type 2 (formerly); TGFBR2-Related Loeys-Dietz Syndrome; Marfan Syndrome type 2; Marfan like connective tissue disorder. Identifiers: Orphanet 284973, Orphanet 558, MedGen C2674574, MONDO:0012427, OMIM 610168.

Allele frequency attached by ClinVar (database versions not stated): ExAC 0.00001; gnomAD exomes 0.00001.
gnomAD v4.1: 3 of 1,613,694 alleles (0.00019%); highest among the groups gnomAD compares: Admixed American, 0.0017%; no homozygotes.

Submissions (2):

Ambry Genetics
Classification: Uncertain significance. Last evaluated: 2024-04-12. Review status: criteria provided, single submitter. Criteria: Ambry Variant Classification Scheme 2023. Collection method: clinical testing. Allele origin: germline.
Comment: The p.T212A variant (also known as c.634A>G), located in coding exon 4 of the TMPO gene, results from an A to G substitution at nucleotide position 634. The threonine at codon 212 is replaced by alanine, an amino acid with similar properties. This amino acid position is conserved. In addition, this alteration is predicted to be tolerated by in silico analysis. Based on the available evidence, the clinical significance of this variant remains unclear.

Labcorp Genetics (formerly Invitae), Labcorp
Classification: Uncertain significance for Loeys-Dietz syndrome 2. Last evaluated: 2023-04-22. Review status: criteria provided, single submitter. Criteria: Invitae Variant Classification Sherloc (09022015). Collection method: clinical testing. Allele origin: germline.
Comment: This variant is present in population databases (rs769778970, gnomAD 0.01%). This variant has not been reported in the literature in individuals affected with TMPO-related conditions. This sequence change replaces threonine, which is neutral and polar, with alanine, which is neutral and non-polar, at codon 212 of the TMPO protein (p.Thr212Ala). In summary, the available evidence is currently insufficient to determine the role of this variant in disease. Therefore, it has been classified as a Variant of Uncertain Significance. Advanced modeling of protein sequence and biophysical properties (such as structural, functional, and spatial information, amino acid conservation, physicochemical variation, residue mobility, and thermodynamic stability) performed at Invitae indicates that this missense variant is not expected to disrupt TMPO protein function. ClinVar contains an entry for this variant (Variation ID: 656773).